The following is an entry in ClinVar:

NM_000512.5(GALNS):c.899-167A>G

Gene: GALNS (galactosamine (N-acetyl)-6-sulfatase; minus strand). Cytogenetic location: 16q24.3.
Variant type: single nucleotide variant.
Coding change: c.899-167A>G on transcript NM_000512.5 (MANE Select); 167 bases into the intron before coding-DNA position 899, A replaced by G.
Molecular consequence: intron variant.
Genome position (GRCh38, 1-based): chr16:88,832,268, T>C on the plus strand (A>G on the coding strand, the complement: GALNS is on the minus strand). VCF-style: chr16-88832268-T-C. GRCh37 (hg19) VCF-style: chr16-88898676-T-C.
Other names: c.344-167A>G (NM_001323543.2); c.917-167A>G (NM_001323544.2).
Identifiers: ClinVar variation 1048484 (VCV001048484.5), dbSNP rs2142999330, ClinGen allele CA915941057.

ClinVar aggregate classification (germline): Conflicting classifications of pathogenicity. Review status: criteria provided, conflicting classifications (1 of 4 stars). 3 submissions from 3 submitters: Pathogenic (1); Likely pathogenic (1); Uncertain significance (1). Last evaluated 2025-12-30.

Conditions:
Mucopolysaccharidosis, MPS-IV-A (MPS4A). Also called: Mucopolysaccharidosis type IV A; Mucopolysaccharidosis Type IVA; Morquio syndrome A, mild; MORQUIO SYNDROME A; MPS IVA; mucopolysaccharidosis type 4A. Identifiers: Orphanet 309297, Orphanet 582, MedGen C0086651, MONDO:0009659, OMIM 253000.

Submissions (3):

Labcorp Genetics (formerly Invitae), Labcorp
Classification: Likely pathogenic for Mucopolysaccharidosis, MPS-IV-A. Last evaluated: 2025-12-30. Review status: criteria provided, single submitter. Criteria: Invitae Variant Classification Sherloc (09022015). Collection method: clinical testing. Allele origin: germline.
Comment: This sequence change falls in intron 8 of the GALNS gene. It does not directly change the encoded amino acid sequence of the GALNS protein. This variant is not present in population databases (gnomAD no frequency). This variant has been observed in individual(s) with mucopolysaccharidosis type IVA (PMID: 30305043). In at least one individual the data is consistent with being in trans (on the opposite chromosome) from a pathogenic variant. ClinVar contains an entry for this variant (Variation ID: 1048484). Algorithms developed to predict the effect of sequence changes on RNA splicing suggest that this variant may create or strengthen a splice site. In summary, the currently available evidence indicates that the variant is pathogenic, but additional data are needed to prove that conclusively. Therefore, this variant has been classified as Likely Pathogenic.

Laboratory of Inherited Metabolic Diseases, Research centre for medical genetics
Classification: Pathogenic for Mucopolysaccharidosis, MPS-IV-A. Last evaluated: 2025-01-26. Review status: criteria provided, single submitter. Criteria: ACMG Guidelines, 2015. Collection method: research. Allele origin: unknown. Affected: no.
Comment: Minigene assay demonstrated insertion of a 53 bp pseudoexon.

Laboratory of Diagnosis and Therapy of Lysosomal Disorders, University of Padova
Classification: Uncertain significance for Mucopolysaccharidosis, MPS-IV-A. Last evaluated: 2021-02-01. Review status: criteria provided, single submitter. Criteria: ACMG Guidelines, 2015. Collection method: curation. Allele origin: germline. Affected: yes.
Comment: In vitro functional studies supportive of a damaging effect on the gene product (RNA studies; PS3_supporting); absent from gnomAD v2.1.1 (PM2_moderate)

Literature cited by the submitters: PubMed 30305043 (cited by Labcorp Genetics (formerly Invitae), Labcorp and Laboratory of Diagnosis and Therapy of Lysosomal Disorders, University of Padova); PubMed 34387910 (cited by Laboratory of Diagnosis and Therapy of Lysosomal Disorders, University of Padova).